The following is an entry in ClinVar:

NM_004859.4(CLTC):c.326C>A (p.Thr109Asn)

Gene: CLTC (clathrin heavy chain; plus strand). Cytogenetic location: 17q23.1.
Variant type: single nucleotide variant.
Coding change: c.326C>A on transcript NM_004859.4 (MANE Select); coding-DNA position 326, C replaced by A.
Protein change: p.Thr109Asn; replaces threonine 109 with asparagine.
Molecular consequence: missense variant.
Genome position (GRCh38, 1-based): chr17:59,647,473, C>A. VCF-style: chr17-59647473-C-A. GRCh37 (hg19) VCF-style: chr17-57724834-C-A.
Other names: c.338C>A, p.Thr113Asn (NM_001288653.2); short protein forms T109N, T113N.
Identifiers: ClinVar variation 2063708 (VCV002063708.5), dbSNP rs1186340281, ClinGen allele CA400419730.

ClinVar aggregate classification (germline): Uncertain significance. Review status: criteria provided, multiple submitters, no conflicts (2 of 4 stars). 2 submissions from 2 submitters: Uncertain significance (2). Last evaluated 2025-06-01.

Conditions:
Inborn genetic diseases. Identifiers: MedGen C0950123, MeSH D030342.

Allele frequency attached by ClinVar (database versions not stated): gnomAD 0.00001; gnomAD exomes 0.00001; TOPMed 0.00001.
gnomAD v4.1: 15 of 1,613,756 alleles (0.00093%); highest among the groups gnomAD compares: Middle Eastern, 0.033%; no homozygotes.

Submissions (2):

Labcorp Genetics (formerly Invitae), Labcorp
Classification: Uncertain significance. Last evaluated: 2025-06-01. Review status: criteria provided, single submitter. Criteria: Invitae Variant Classification Sherloc (09022015). Collection method: clinical testing. Allele origin: germline.
Comment: This sequence change replaces threonine, which is neutral and polar, with asparagine, which is neutral and polar, at codon 113 of the CLTC protein (p.Thr113Asn). This variant is present in population databases (no rsID available, gnomAD 0.002%). This variant has not been reported in the literature in individuals affected with CLTC-related conditions. ClinVar contains an entry for this variant (Variation ID: 2063708). Invitae Evidence Modeling of protein sequence and biophysical properties (such as structural, functional, and spatial information, amino acid conservation, physicochemical variation, residue mobility, and thermodynamic stability) indicates that this missense variant is not expected to disrupt CLTC protein function with a negative predictive value of 80%. In summary, the available evidence is currently insufficient to determine the role of this variant in disease. Therefore, it has been classified as a Variant of Uncertain Significance.

Ambry Genetics
Classification: Uncertain significance for Inborn genetic diseases. Last evaluated: 2021-11-15. Review status: criteria provided, single submitter. Criteria: Ambry Variant Classification Scheme 2023. Collection method: clinical testing. Allele origin: germline.